The following is an entry in ClinVar:

ClinVar aggregate classification (germline): Likely benign (1 of 4 stars; one submission).

Allele frequency attached by ClinVar (database versions not stated): ESP Exome Variant Server 0.00023.
gnomAD v4.1: 142 of 1,607,718 alleles (0.0088%); highest among the groups gnomAD compares: Non-Finnish European, 0.011%; no homozygotes.

Submission:

CeGaT Center for Human Genetics Tuebingen
Classification: Likely benign. Last evaluated: 2023-05-01. Review status: criteria provided, single submitter. Criteria: CeGaT Center For Human Genetics Tuebingen Variant Classification Criteria Version 2. Collection method: clinical testing. Allele origin: germline. Affected: yes. Observed: 1 variant allele.
Comment: CUX1: BP4

NM_181552.4(CUX1):c.1288C>G (p.Pro430Ala)

Gene: CUX1 (cut like homeobox 1; plus strand). Cytogenetic location: 7q22.1.
Variant type: single nucleotide variant.
Coding change: c.1288C>G on transcript NM_181552.4 (MANE Select); coding-DNA position 1288, C replaced by G.
Protein change: p.Pro430Ala; replaces proline 430 with alanine.
Molecular consequence: missense variant. On other transcripts: intron variant (5).
Genome position (GRCh38, 1-based): chr7:102,196,699, C>G. VCF-style: chr7-102196699-C-G. GRCh37 (hg19) VCF-style: chr7-101839979-C-G.
Other names: c.1321C>G, p.Pro441Ala (NM_001202543.2); c.1255+1096C>G (NM_001913.5); c.1249+1096C>G (NM_181500.4); c.1117+1096C>G (NM_001202545.3); c.1207+1096C>G (NM_001202544.3); c.1138+1096C>G (NM_001202546.3); short protein forms P430A, P441A.
Identifiers: ClinVar variation 2657861 (VCV002657861.24), dbSNP rs200423314, ClinGen allele CA4410826.